The following is an entry in ClinVar:

ClinVar aggregate classification (germline): Uncertain significance (1 of 4 stars; one submission).

Conditions:
Congenital myopathy with internal nuclei and atypical cores. Also called: Myopathy, centronuclear, 4. Identifiers: Orphanet 319160, MedGen C4707232, MONDO:0013890, OMIM 614807.

Allele frequency attached by ClinVar (database versions not stated): ExAC 0.00001.

Submission:

Labcorp Genetics (formerly Invitae), Labcorp
Classification: Uncertain significance for Congenital myopathy with internal nuclei and atypical cores. Last evaluated: 2023-04-25. Review status: criteria provided, single submitter. Criteria: Invitae Variant Classification Sherloc (09022015). Collection method: clinical testing. Allele origin: germline.
Comment: In summary, the available evidence is currently insufficient to determine the role of this variant in disease. Therefore, it has been classified as a Variant of Uncertain Significance. This variant has not been reported in the literature in individuals affected with CCDC78-related conditions. This variant is present in population databases (rs771813886, gnomAD 0.003%). This sequence change creates a premature translational stop signal (p.Gln85*) in the CCDC78 gene. It is expected to result in an absent or disrupted protein product. However, the current clinical and genetic evidence is not sufficient to establish whether loss-of-function variants in CCDC78 cause disease.

NM_001378030.1(CCDC78):c.253C>T (p.Gln85Ter)

Gene: CCDC78 (coiled-coil domain containing 78; minus strand). Cytogenetic location: 16p13.3.
Variant type: single nucleotide variant.
Coding change: c.253C>T on transcript NM_001378030.1 (MANE Select); coding-DNA position 253, C replaced by T.
Protein change: p.Gln85Ter; replaces glutamine 85 with a stop codon.
Molecular consequence: nonsense. On other transcripts: 5 prime UTR variant (1), non-coding transcript variant (5).
Genome position (GRCh38, 1-based): chr16:725,808, G>A on the plus strand (C>T on the coding strand, the complement: CCDC78 is on the minus strand). VCF-style: chr16-725808-G-A. GRCh37 (hg19) VCF-style: chr16-775808-G-A.
Other names: c.253C>T, p.Gln85Ter (NM_001031737.3, NM_001378031.1); c.-33C>T (NM_001378033.1); short protein forms Q85*.
Identifiers: ClinVar variation 2723183 (VCV002723183.3), dbSNP rs771813886, ClinGen allele CA7789694.